The following is an entry in ClinVar:

NM_020778.5(ALPK3):c.595A>T (p.Ser199Cys)

Gene: ALPK3 (alpha kinase 3; plus strand). Cytogenetic location: 15q25.3.
Variant type: single nucleotide variant.
Coding change: c.595A>T on transcript NM_020778.5 (MANE Select); coding-DNA position 595, A replaced by T.
Protein change: p.Ser199Cys; replaces serine 199 with cysteine.
Molecular consequence: missense variant.
Genome position (GRCh38, 1-based): chr15:84,839,874, A>T. VCF-style: chr15-84839874-A-T. GRCh37 (hg19) VCF-style: chr15-85383105-A-T.
Other names: short protein forms S199C.
Identifiers: ClinVar variation 3533466 (VCV003533466.3).
Genomic context (GRCh38, chr15:84,839,874, plus strand): 5'-CAGCGCTGGTTCGCCAAGTTGAAGCGCAAGGCTGCGGCAAAGCTGCGCGAGATCGAGCAG[A>T]GCTGGAAGCACGAGAAGGCGGTGCCTGGGGAGGTCGACACTCTGCGCAAGCTCAGCCCCG-3'
Protein context (NP_065829.4, residues 189-209): AAAKLREIEQ[Ser199Cys]WKHEKAVPGE

ClinVar aggregate classification (germline): Uncertain significance. Review status: criteria provided, multiple submitters, no conflicts (2 of 4 stars). 3 submissions from 3 submitters: Uncertain significance (3). Last evaluated 2025-09-14.

Conditions:
Cardiovascular phenotype. Identifiers: MedGen CN230736.

Submissions (3):

Labcorp Genetics (formerly Invitae), Labcorp
Classification: Uncertain significance. Last evaluated: 2025-09-14. Review status: criteria provided, single submitter. Criteria: Invitae Variant Classification Sherloc (09022015). Collection method: clinical testing. Allele origin: germline.
Comment: This sequence change replaces serine, which is neutral and polar, with cysteine, which is neutral and slightly polar, at codon 401 of the ALPK3 protein (p.Ser401Cys). This variant is present in population databases (rs780267653, gnomAD 0.02%). This variant has not been reported in the literature in individuals affected with ALPK3-related conditions. ClinVar contains an entry for this variant (Variation ID: 3533466). An algorithm developed to predict the effect of missense changes on protein structure and function (PolyPhen-2) suggests that this variant is likely to be disruptive. In summary, the available evidence is currently insufficient to determine the role of this variant in disease. Therefore, it has been classified as a Variant of Uncertain Significance.

Ambry Genetics
Classification: Uncertain significance for Cardiovascular phenotype. Last evaluated: 2024-11-10. Review status: criteria provided, single submitter. Criteria: Ambry Variant Classification Scheme 2023. Collection method: clinical testing. Allele origin: germline.
Comment: The p.S401C variant (also known as c.1201A>T), located in coding exon 5 of the ALPK3 gene, results from an A to T substitution at nucleotide position 1201. The serine at codon 401 is replaced by cysteine, an amino acid with dissimilar properties. This amino acid position is conserved. In addition, this alteration is predicted to be tolerated by in silico analysis. Based on the available evidence, the clinical significance of this variant remains unclear.

Blueprint Genetics
Classification: Uncertain significance. Last evaluated: 2020-04-03. Review status: criteria provided, single submitter. Criteria: ACMG Guidelines, 2015. Collection method: clinical testing. Allele origin: germline.